The following is an entry in ClinVar:

NM_000038.6(APC):c.2319del (p.Phe773fs)

Gene: APC (APC regulator of Wnt signaling pathway; plus strand). Cytogenetic location: 5q22.2.
Variant type: Deletion.
Coding change: c.2319del on transcript NM_000038.6 (MANE Select); coding-DNA position 2319, one base deleted (T; older notation c.2319delT).
Protein change: p.Phe773fs; shifts the reading frame from phenylalanine 773.
Molecular consequence: frameshift variant.
Genome position (GRCh38, 1-based): chr5:112,837,913, T deleted; the last of 4 consecutive T bases (chr5:112,837,910-112,837,913); deleting any one gives the same sequence. VCF-style (leftmost placement, unchanged base first): chr5-112837909-CT-C. GRCh37 (hg19) VCF-style: chr5-112173606-CT-C.
Other names: c.2319delT (NM_000038.6); c.2319del, p.Phe773fs (NM_001127510.3, NM_001354895.2); c.2265del, p.Phe755fs (NM_001127511.3); c.2373del, p.Phe791fs (NM_001354896.2); c.2349del, p.Phe783fs (NM_001354897.2); c.2244del, p.Phe748fs (NM_001354898.2); c.2235del, p.Phe745fs (NM_001354899.2); c.2196del, p.Phe732fs (NM_001354900.2); and 6 more; short protein forms F490fs, F613fs, F647fs, F672fs, F682fs, F714fs, F732fs, F745fs.
Identifiers: ClinVar variation 1073520 (VCV001073520.50), dbSNP rs2149866222, ClinGen allele CA445963356.

ClinVar aggregate classification (germline): Pathogenic. Review status: criteria provided, multiple submitters, no conflicts (2 of 4 stars). 2 submissions from 2 submitters: Pathogenic (2). Last evaluated 2023-05-04.
ClinVar aggregate classification (somatic clinical impact): Tier II - Potential (0 of 4 stars; one submission).
ClinVar aggregate classification (oncogenicity): Likely oncogenic (1 of 4 stars; one submission).

Conditions:
Familial adenomatous polyposis 1 (FAP1). Also called: POLYPOSIS, ADENOMATOUS INTESTINAL; FAMILIAL ADENOMATOUS POLYPOSIS 1, ATTENUATED. Identifiers: MedGen C2713442, MONDO:0021056, OMIM 175100. Disease mechanism: loss of function.
Colorectal cancer. Also called: Malignant Colorectal Neoplasm; Colorectal cancer, somatic. Identifiers: MedGen C0346629, MONDO:0005575, OMIM 114500.
Neoplasm. Also called: Neoplasms; Neoplasm (disease); tumor. Identifiers: MedGen C0027651, MeSH D009369, MONDO:0005070, HP:0002664.

Submissions (4):

Center for Genomic Medicine, Rigshospitalet, Copenhagen University Hospital
Classification: Likely oncogenic for Neoplasm. Last evaluated: 2025-12-29. Review status: criteria provided, single submitter. Criteria: ClinGen/CGC/VICC Guidelines for Oncogenicity, 2022. Collection method: clinical testing. Allele origin: somatic. Affected: yes.

Myriad Genetics, Inc.
Classification: Pathogenic for Familial adenomatous polyposis 1. Last evaluated: 2023-05-04. Review status: criteria provided, single submitter. Criteria: Myriad Autosomal Dominant, Autosomal Recessive and X-Linked Classification Criteria (2023). Collection method: clinical testing. Allele origin: unknown.
Comment: This variant is considered pathogenic. This variant creates a frameshift predicted to result in premature protein truncation.

Labcorp Genetics (formerly Invitae), Labcorp
Classification: Pathogenic for Familial adenomatous polyposis 1. Last evaluated: 2020-02-02. Review status: criteria provided, single submitter. Criteria: Invitae Variant Classification Sherloc (09022015). Collection method: clinical testing. Allele origin: germline.
Comment: A different truncation (p.Tyr2645Lysfs*14) that lies downstream of this variant has been determined to be pathogenic (PMID: 9824584, 1316610, 27081525, 8381579, 22135120, Invitae). This suggests that deletion of this region of the APC protein is causative of disease. For these reasons, this variant has been classified as Pathogenic. This variant is expected to disrupt the EB1 and HDLG binding sites, which mediate interactions with the cytoskeleton (PMID: 15311282, 17293347). While functional studies have not been performed to directly test the effect on APC protein function, this suggests that disruption of the C-terminal portion of the protein is functionally important. This variant has not been reported in the literature in individuals with APC-related conditions. This variant is not present in population databases (ExAC no frequency). This sequence change results in a premature translational stop signal in the APC gene (p.Phe773Leufs*4). While this is not anticipated to result in nonsense mediated decay, it is expected to disrupt the last 2071 amino acids of the APC protein.

Department of Clinical Biochemistry, Naestved Hospital
Classification: Tier II - Potential for Colorectal cancer. Assertion type: prognostic. Clinical significance: better outcome. Last evaluated: 2024-10-10. Review status: no assertion criteria provided. Collection method: research. Allele origin: somatic.
Comment: Frameshift. Likely loss-of-function.

Literature cited by the submitters: PubMed 34352208 (cited by Center for Genomic Medicine, Rigshospitalet, Copenhagen University Hospital); PubMed 9824584 (cited by Labcorp Genetics (formerly Invitae), Labcorp); PubMed 1316610 (cited by Labcorp Genetics (formerly Invitae), Labcorp); PubMed 27081525 (cited by Labcorp Genetics (formerly Invitae), Labcorp); PubMed 8381579 (cited by Labcorp Genetics (formerly Invitae), Labcorp); PubMed 22135120 (cited by Labcorp Genetics (formerly Invitae), Labcorp); PubMed 15311282 (cited by Labcorp Genetics (formerly Invitae), Labcorp); PubMed 17293347 (cited by Labcorp Genetics (formerly Invitae), Labcorp).